The following is an entry in ClinVar:

ClinVar aggregate classification (germline): Conflicting classifications of pathogenicity. Review status: criteria provided, conflicting classifications (1 of 4 stars). 2 submissions from 2 submitters: Pathogenic (1); Uncertain significance (1). Last evaluated 2025-05-30.

Conditions:
Hereditary cancer-predisposing syndrome. Also called: Hereditary Cancer Syndrome; Tumor predisposition; Hereditary neoplastic syndrome; Neoplastic Syndromes, Hereditary. Identifiers: Orphanet 140162, MedGen C0027672, MeSH D009386, MONDO:0015356.

Submissions (2):

Ambry Genetics
Classification: Uncertain significance for Hereditary cancer-predisposing syndrome. Last evaluated: 2025-05-30. Review status: criteria provided, single submitter. Criteria: Ambry Variant Classification Scheme 2023. Collection method: clinical testing. Allele origin: germline.
Comment: The c.5063delC variant, located in coding exon 38 of the POLE gene, results from a deletion of one nucleotide at nucleotide position 5063, causing a translational frameshift with a predicted alternate stop codon (p.P1688Lfs*73). This alteration is expected to result in loss of function by premature protein truncation or nonsense-mediated mRNA decay. Although biallelic loss of function of POLE has been associated with autosomal recessive POLE deficiency, haploinsufficiency of POLE has not been established as a mechanism of disease for POLE-related polymerase proofreading-associated polyposis (PPAP) and POLE-related CMMRD-like syndrome. Based on the supporting evidence, this variant is expected to be causative of POLE deficiency when present along with a second pathogenic variant on the other allele; however, its clinical significance for PPAP and POLE-related CMMRD-like syndrome is unclear.

Labcorp Genetics (formerly Invitae), Labcorp
Classification: Pathogenic. Last evaluated: 2022-05-11. Review status: criteria provided, single submitter. Criteria: Invitae Variant Classification Sherloc (09022015). Collection method: clinical testing. Allele origin: germline.
Comment: ClinVar contains an entry for this variant (Variation ID: 1046547). For these reasons, this variant has been classified as Pathogenic. This variant has not been reported in the literature in individuals affected with POLE-related conditions. This sequence change creates a premature translational stop signal (p.Pro1688Leufs*73) in the POLE gene. It is expected to result in an absent or disrupted protein product. Loss-of-function variants in POLE are known to be pathogenic (PMID: 23230001, 25948378, 30503519). This variant is not present in population databases (gnomAD no frequency).

Literature cited by the submitters: PubMed 23230001 (cited by Labcorp Genetics (formerly Invitae), Labcorp); PubMed 25948378 (cited by Labcorp Genetics (formerly Invitae), Labcorp); PubMed 30503519 (cited by Labcorp Genetics (formerly Invitae), Labcorp).

NM_006231.4(POLE):c.5063del (p.Pro1688fs)

Gene: POLE (DNA polymerase epsilon, catalytic subunit; minus strand). Cytogenetic location: 12q24.33.
Variant type: Deletion.
Coding change: c.5063del on transcript NM_006231.4 (MANE Select); coding-DNA position 5063, one base deleted (C; older notation c.5063delC).
Protein change: p.Pro1688fs; shifts the reading frame from proline 1688.
Molecular consequence: frameshift variant.
Genome position (GRCh38, 1-based): chr12:132,642,287, G deleted on the plus strand (C on the coding strand, the reverse complement: POLE is on the minus strand); the first of 4 consecutive G bases (chr12:132,642,287-132,642,290); deleting any one gives the same sequence. VCF-style (leftmost placement, unchanged base first): chr12-132642286-AG-A. GRCh37 (hg19) VCF-style: chr12-133218872-AG-A.
Other names: c.5063delC (NM_006231.2); short protein forms P1688fs.
Identifiers: ClinVar variation 1046547 (VCV001046547.9), dbSNP rs2042163217, ClinGen allele CA2072987414.